The following is an entry in ClinVar:

NM_000368.5(TSC1):c.385del (p.Leu129fs)

Gene: TSC1 (TSC complex subunit 1; minus strand). Cytogenetic location: 9q34.13.
Variant type: Deletion.
Coding change: c.385del on transcript NM_000368.5 (MANE Select); coding-DNA position 385, one base deleted (C; older notation c.385delC).
Protein change: p.Leu129fs; shifts the reading frame from leucine 129.
Molecular consequence: frameshift variant. On other transcripts: 5 prime UTR variant (5), non-coding transcript variant (5).
Genome position (GRCh38, 1-based): chr9:132,923,471, G deleted on the plus strand (C on the coding strand, the reverse complement: TSC1 is on the minus strand); the first of 2 consecutive G bases (chr9:132,923,471-132,923,472); deleting either gives the same sequence. VCF-style (leftmost placement, unchanged base first): chr9-132923470-AG-A. GRCh37 (hg19) VCF-style: chr9-135798857-AG-A.
Other names: c.385del, p.Leu129fs (NM_001162426.2, NM_001406592.1, NM_001406593.1 and 16 more transcripts); c.232del, p.Leu78fs (NM_001162427.2, NM_001406610.1, NM_001406611.1 and 2 more transcripts); c.22del, p.Leu8fs (NM_001362177.2, NM_001406614.1, NM_001406615.1 and 10 more transcripts); c.-709del (NM_001406630.1); c.-493del (NM_001406626.1, NM_001406627.1, NM_001406628.1); c.-635del (NM_001406629.1); short protein forms L78fs, L129fs, L8fs.
Identifiers: ClinVar variation 3722305 (VCV003722305.2).

ClinVar aggregate classification (germline): Pathogenic (1 of 4 stars; one submission).

Conditions:
Tuberous sclerosis 1 (TSC1). Identifiers: Orphanet 805, MedGen C1854465, MONDO:0008612, OMIM 191100.

Submission:

Labcorp Genetics (formerly Invitae), Labcorp
Classification: Pathogenic for Tuberous sclerosis 1. Last evaluated: 2024-10-06. Review status: criteria provided, single submitter. Criteria: Invitae Variant Classification Sherloc (09022015). Collection method: clinical testing. Allele origin: germline.
Comment: This sequence change creates a premature translational stop signal (p.Leu129Serfs*8) in the TSC1 gene. It is expected to result in an absent or disrupted protein product. Loss-of-function variants in TSC1 are known to be pathogenic (PMID: 10227394, 17304050). This variant is not present in population databases (gnomAD no frequency). This variant has not been reported in the literature in individuals affected with TSC1-related conditions. For these reasons, this variant has been classified as Pathogenic.

Literature cited by the submitters: PubMed 10227394; PubMed 17304050.